The following is an entry in ClinVar:

ClinVar aggregate classification (germline): Uncertain significance. Review status: criteria provided, multiple submitters, no conflicts (2 of 4 stars). 2 submissions from 2 submitters: Uncertain significance (2). Last evaluated 2024-10-26.

Conditions:
Inborn genetic diseases. Identifiers: MedGen C0950123, MeSH D030342.

Allele frequency attached by ClinVar (database versions not stated): gnomAD 0.00012 and 0.00013; TOPMed 0.00012; ESP Exome Variant Server 0.00015.
gnomAD v4.1: 26 of 1,613,384 alleles (0.0016%); highest among the groups gnomAD compares: African/African-American, 0.035%; no homozygotes.

Submissions (2):

Labcorp Genetics (formerly Invitae), Labcorp
Classification: Uncertain significance. Last evaluated: 2024-10-26. Review status: criteria provided, single submitter. Criteria: Invitae Variant Classification Sherloc (09022015). Collection method: clinical testing. Allele origin: germline.
Comment: This sequence change replaces glutamic acid, which is acidic and polar, with glycine, which is neutral and non-polar, at codon 281 of the TYR protein (p.Glu281Gly). This variant is present in population databases (rs146036358, gnomAD 0.02%). This variant has not been reported in the literature in individuals affected with TYR-related conditions. ClinVar contains an entry for this variant (Variation ID: 1405918). Invitae Evidence Modeling of protein sequence and biophysical properties (such as structural, functional, and spatial information, amino acid conservation, physicochemical variation, residue mobility, and thermodynamic stability) has been performed for this missense variant. However, the output from this modeling did not meet the statistical confidence thresholds required to predict the impact of this variant on TYR protein function. In summary, the available evidence is currently insufficient to determine the role of this variant in disease. Therefore, it has been classified as a Variant of Uncertain Significance.

Ambry Genetics
Classification: Uncertain significance for Inborn genetic diseases. Last evaluated: 2023-10-27. Review status: criteria provided, single submitter. Criteria: Ambry Variant Classification Scheme 2023. Collection method: clinical testing. Allele origin: germline.

NM_000372.5(TYR):c.842A>G (p.Glu281Gly)

Gene: TYR (tyrosinase; plus strand). Cytogenetic location: 11q14.3.
Variant type: single nucleotide variant.
Coding change: c.842A>G on transcript NM_000372.5 (MANE Select); coding-DNA position 842, A replaced by G.
Protein change: p.Glu281Gly; replaces glutamic acid 281 with glycine.
Molecular consequence: missense variant.
Genome position (GRCh38, 1-based): chr11:89,191,224, A>G. VCF-style: chr11-89191224-A-G. GRCh37 (hg19) VCF-style: chr11-88924392-A-G.
Other names: c.842A>G (NM_000372.4); short protein forms E281G.
Identifiers: ClinVar variation 1405918 (VCV001405918.7), dbSNP rs146036358, ClinGen allele CA6221237.